The following is an entry in ClinVar:

ClinVar aggregate classification (germline): Likely benign. Review status: criteria provided, single submitter (1 of 4 stars). 2 submissions from 2 submitters: Likely benign (1). 1 of the submissions does not count toward it. Last evaluated 2025-01-20.

Conditions:
Familial focal epilepsy with variable foci (FPEVF). Identifiers: Orphanet 98820, MedGen C1858477, MONDO:0020310.
DEPDC5-related disorder. Also called: DEPDC5-related condition; DEPDC5-related related disorder.

Submissions (2):

Labcorp Genetics (formerly Invitae), Labcorp
Classification: Likely benign for Familial focal epilepsy with variable foci. Last evaluated: 2025-01-20. Review status: criteria provided, single submitter. Criteria: Invitae Variant Classification Sherloc (09022015). Collection method: clinical testing. Allele origin: germline.

PreventionGenetics, part of Exact Sciences
Classification: Uncertain significance for DEPDC5-related condition. Last evaluated: 2024-02-07. Review status: no assertion criteria provided. Collection method: clinical testing. Allele origin: germline. Not counted in ClinVar's aggregate classification.
Comment: The DEPDC5 c.2049G>A variant is not predicted to result in an amino acid change (p.=). To our knowledge, this variant has not been reported in the literature or in a large population database, indicating this variant is rare. At this time, the clinical significance of this variant is uncertain due to the absence of conclusive functional and genetic evidence.

NM_001242896.3(DEPDC5):c.2049G>A (p.Leu683=)

Gene: DEPDC5 (DEP domain containing 5, GATOR1 subcomplex subunit; plus strand). Cytogenetic location: 22q12.3.
Variant type: single nucleotide variant.
Coding change: c.2049G>A on transcript NM_001242896.3 (MANE Select); coding-DNA position 2049, G replaced by A.
Protein change: p.Leu683=; no amino-acid change (leucine 683 retained).
Molecular consequence: synonymous variant. On other transcripts: non-coding transcript variant (4), intron variant (3).
Genome position (GRCh38, 1-based): chr22:31,822,735, G>A. VCF-style: chr22-31822735-G-A. GRCh37 (hg19) VCF-style: chr22-32218721-G-A.
Other names: c.2049G>A, p.Leu683= (NM_001136029.4, NM_001363852.2, NM_001364318.2 and 3 more transcripts); c.1965G>A, p.Leu655= (NM_001369901.1, NM_001369902.1); c.1870+3510G>A (NM_001363854.2, NM_001242897.2, NM_001364319.2); c.2049G>A (NM_001242896.1).
Identifiers: ClinVar variation 1077306 (VCV001077306.11), dbSNP rs2148830090, ClinGen allele CA514265874.
Genomic context (GRCh38, chr22:31,822,735, plus strand): 5'-GGGCTCTGTTCTCTGCAGGCACAGCAATTCCCGCCAGCCTGGTGACGGCATGTCCTTCTT[G>A]AACTTCAGTGGAACAGAGGAGCTTTCTGTCGGCCTGCTTAGCAACAGTGGTGCAGGTAAC-3'
Protein context (NP_001229825.1, residues 673-693): SRQPGDGMSF[Leu683=]NFSGTEELSV